The following is an entry in ClinVar:

NM_000059.4(BRCA2):c.3408A>G (p.Ile1136Met)

Gene: BRCA2 (BRCA2 DNA repair associated; plus strand). Cytogenetic location: 13q13.1.
Variant type: single nucleotide variant.
Coding change: c.3408A>G on transcript NM_000059.4 (MANE Select); coding-DNA position 3408, A replaced by G.
Protein change: p.Ile1136Met; replaces isoleucine 1136 with methionine.
Molecular consequence: missense variant. On other transcripts: non-coding transcript variant (1), intron variant (2).
Genome position (GRCh38, 1-based): chr13:32,337,763, A>G. VCF-style: chr13-32337763-A-G. GRCh37 (hg19) VCF-style: chr13-32911900-A-G.
Other names: c.3408A>G, p.Ile1136Met (NM_001406719.1, NM_001406720.1); c.1909+4376A>G (NM_001406721.1); c.424+6733A>G (NM_001406722.1); short protein forms I1136M.
Identifiers: ClinVar variation 2774900 (VCV002774900.3), dbSNP rs2137496281, ClinGen allele CA387776485.

ClinVar aggregate classification (germline): Uncertain significance. Review status: criteria provided, multiple submitters, no conflicts (2 of 4 stars). 2 submissions from 2 submitters: Uncertain significance (2). Last evaluated 2025-09-02.

Conditions:
Hereditary cancer-predisposing syndrome. Also called: Neoplastic Syndromes, Hereditary; Tumor predisposition; Hereditary Cancer Syndrome; Hereditary neoplastic syndrome. Identifiers: Orphanet 140162, MedGen C0027672, MeSH D009386, MONDO:0015356.

Allele frequency attached by ClinVar (database versions not stated): gnomAD exomes below 0.00001.
gnomAD v4.1: 1 of 1,614,010 alleles (0.000062%); highest among the groups gnomAD compares: South Asian, 0.0011%; no homozygotes.

Submissions (2):

Ambry Genetics
Classification: Uncertain significance for Hereditary cancer-predisposing syndrome. Last evaluated: 2025-09-02. Review status: criteria provided, single submitter. Criteria: Ambry Variant Classification Scheme 2023. Collection method: clinical testing. Allele origin: germline.
Comment: The p.I1136M variant (also known as c.3408A>G), located in coding exon 10 of the BRCA2 gene, results from an A to G substitution at nucleotide position 3408. The isoleucine at codon 1136 is replaced by methionine, an amino acid with highly similar properties. This amino acid position is conserved. In addition, this alteration is predicted to be tolerated by in silico analysis. Based on the available evidence, the clinical significance of this variant remains unclear.

Color Diagnostics, LLC DBA Color Health
Classification: Uncertain significance for Hereditary cancer-predisposing syndrome. Last evaluated: 2021-10-20. Review status: criteria provided, single submitter. Criteria: ACMG Guidelines, 2015. Collection method: clinical testing. Allele origin: germline.
Comment: This missense variant replaces isoleucine with methionine at codon 1136 of the BRCA2 protein. Computational prediction suggests that this variant may not impact protein structure and function (internally defined REVEL score threshold <= 0.5, PMID: 27666373). To our knowledge, functional studies have not been reported for this variant. This variant has not been reported in individuals affected with hereditary cancer in the literature. This variant has not been identified in the general population by the Genome Aggregation Database (gnomAD). The available evidence is insufficient to determine the role of this variant in disease conclusively. Therefore, this variant is classified as a Variant of Uncertain Significance.